The following is an entry in ClinVar:

NM_000782.5(CYP24A1):c.313G>C (p.Glu105Gln)

Gene: CYP24A1 (cytochrome P450 family 24 subfamily A member 1; minus strand). Cytogenetic location: 20q13.2.
Variant type: single nucleotide variant.
Coding change: c.313G>C on transcript NM_000782.5 (MANE Select); coding-DNA position 313, G replaced by C.
Protein change: p.Glu105Gln; replaces glutamic acid 105 with glutamine.
Molecular consequence: missense variant.
Genome position (GRCh38, 1-based): chr20:54,173,045, C>G on the plus strand (G>C on the coding strand, the complement: CYP24A1 is on the minus strand). VCF-style: chr20-54173045-C-G. GRCh37 (hg19) VCF-style: chr20-52789584-C-G.
Other names: c.313G>C, p.Glu105Gln (NM_001128915.2); short protein forms E105Q.
Identifiers: ClinVar variation 1384043 (VCV001384043.4), dbSNP rs147642444, ClinGen allele CA409393249.

ClinVar aggregate classification (germline): Uncertain significance. Review status: criteria provided, multiple submitters, no conflicts (2 of 4 stars). 2 submissions from 2 submitters: Uncertain significance (2). Last evaluated 2025-10-03.

Conditions:
Hypercalcemia, infantile, 1 (HCINF1). Identifiers: Orphanet 300547, MedGen CN031131, MONDO:0020739, OMIM 143880.

Allele frequency attached by ClinVar (database versions not stated): gnomAD exomes below 0.00001 and 0.00005.

Submissions (2):

Rare Kidney Stone Consortium and the Mayo Clinic Hyperoxaluria Center, Mayo Clinic
Classification: Uncertain significance for Hypercalcemia, infantile, 1. Last evaluated: 2025-10-03. Review status: criteria provided, single submitter. Criteria: ACMG Guidelines, 2015. Collection method: research. Allele origin: germline. Observed: 1 variant allele.
Comment: ACMG:PM1, PM2

Labcorp Genetics (formerly Invitae), Labcorp
Classification: Uncertain significance. Last evaluated: 2022-09-13. Review status: criteria provided, single submitter. Criteria: Invitae Variant Classification Sherloc (09022015). Collection method: clinical testing. Allele origin: germline.
Comment: This sequence change replaces glutamic acid, which is acidic and polar, with glutamine, which is neutral and polar, at codon 105 of the CYP24A1 protein (p.Glu105Gln). This variant is present in population databases (no rsID available, gnomAD 0.002%). This variant has not been reported in the literature in individuals affected with CYP24A1-related conditions. ClinVar contains an entry for this variant (Variation ID: 1384043). Advanced modeling of protein sequence and biophysical properties (such as structural, functional, and spatial information, amino acid conservation, physicochemical variation, residue mobility, and thermodynamic stability) has been performed at Invitae for this missense variant, however the output from this modeling did not meet the statistical confidence thresholds required to predict the impact of this variant on CYP24A1 protein function. In summary, the available evidence is currently insufficient to determine the role of this variant in disease. Therefore, it has been classified as a Variant of Uncertain Significance.

Literature cited by the submitters: PubMed 40794449 (cited by Rare Kidney Stone Consortium and the Mayo Clinic Hyperoxaluria Center, Mayo Clinic).